The following is an entry in ClinVar:

ClinVar aggregate classification (germline): Uncertain significance (1 of 4 stars; one submission).

gnomAD v4.1: 4 of 1,613,254 alleles (0.00025%); highest among the groups gnomAD compares: South Asian, 0.0011%; no homozygotes.

Submission:

GeneDx
Classification: Uncertain significance. Last evaluated: 2026-03-06. Review status: criteria provided, single submitter. Criteria: GeneDx Variant Classification Process June 2021. Collection method: clinical testing. Allele origin: germline.
Comment: Identified in a patient with autism spectrum disorder in published literature; however, clinical details and segregation data were not provided (PMID: 37007974); Not observed at significant frequency in large population cohorts (gnomAD); In silico analysis supports that this missense variant has a deleterious effect on protein structure/function; This variant is associated with the following publications: (PMID: 37007974)

NM_018896.5(CACNA1G):c.4664G>A (p.Arg1555Gln)

Gene: CACNA1G (calcium voltage-gated channel subunit alpha1 G; plus strand). Cytogenetic location: 17q21.33.
Variant type: single nucleotide variant.
Coding change: c.4664G>A on transcript NM_018896.5 (MANE Select); coding-DNA position 4664, G replaced by A.
Protein change: p.Arg1555Gln; replaces arginine 1555 with glutamine.
Molecular consequence: missense variant. On other transcripts: non-coding transcript variant (5).
Genome position (GRCh38, 1-based): chr17:50,607,978, G>A. VCF-style: chr17-50607978-G-A. GRCh37 (hg19) VCF-style: chr17-48685339-G-A.
Other names: c.4664G>A, p.Arg1555Gln (NM_001256324.2, NM_001256325.2, NM_001256327.2 and 9 more transcripts); c.4562G>A, p.Arg1521Gln (NM_001256326.2, NM_001256329.2, NM_001256330.2 and 1 more transcripts); c.4493G>A, p.Arg1498Gln (NM_001256332.2); c.4583G>A, p.Arg1528Gln (NM_001256359.2, NM_001256361.2); c.4589G>A, p.Arg1530Gln (NM_001256360.2); c.4595G>A, p.Arg1532Gln (NM_198376.3, NM_198379.3, NM_198382.3 and 4 more transcripts); short protein forms R1498Q, R1521Q, R1528Q, R1530Q, R1532Q, R1555Q.
Identifiers: ClinVar variation 4891493 (VCV004891493.1).